The following is an entry in ClinVar:

NM_000540.3(RYR1):c.7836G>T (p.Arg2612Ser)

Gene: RYR1 (ryanodine receptor 1; plus strand). Cytogenetic location: 19q13.2.
Variant type: single nucleotide variant.
Coding change: c.7836G>T on transcript NM_000540.3 (MANE Select); coding-DNA position 7836, G replaced by T.
Protein change: p.Arg2612Ser; replaces arginine 2612 with serine.
Molecular consequence: missense variant.
Genome position (GRCh38, 1-based): chr19:38,502,880, G>T. VCF-style: chr19-38502880-G-T. GRCh37 (hg19) VCF-style: chr19-38993520-G-T.
Other names: c.7836G>T, p.Arg2612Ser (NM_001042723.2); short protein forms R2612S.
Identifiers: ClinVar variation 3385457 (VCV003385457.1).

ClinVar aggregate classification (germline): Uncertain significance (1 of 4 stars; one submission).

Conditions:
Malignant hyperthermia, susceptibility to, 1 (MHS1). Also called: Anesthesia related hyperthermia; Malignant hyperpyrexia; Fulminating hyperpyrexia; Pharmacogenic myopathy; Malignant hyperthermia suceptibility 1; RYR1-Related Malignant Hyperthermia Susceptibility. Identifiers: Orphanet 423, MedGen C2930980, MONDO:0007783, OMIM 145600.

gnomAD v4.1: 3 of 1,610,538 alleles (0.00019%); highest among the groups gnomAD compares: African/African-American, 0.0013%; no homozygotes.

Submission:

All of Us Research Program, National Institutes of Health
Classification: Uncertain significance for Malignant hyperthermia, susceptibility to, 1. Last evaluated: 2024-03-24. Review status: criteria provided, single submitter. Criteria: ACMG Guidelines, 2015. Collection method: clinical testing. Allele origin: germline. Inheritance: Autosomal dominant inheritance. Observed: 1 variant allele, 1 heterozygote.
Comment: This missense variant replaces arginine with serine at codon 2612 of the RYR1 protein. Computational prediction suggests that this variant may not impact protein structure and function. To our knowledge, functional studies have not been reported for this variant. This variant has not been reported in individuals affected with RYR1-related disorders in the literature. This variant has not been identified in the general population by the Genome Aggregation Database (gnomAD). The available evidence is insufficient to determine the role of this variant in disease conclusively. Therefore, this variant is classified as a Variant of Uncertain Significance.

This study involves interpretation of variants in research participants for the purpose of population health screening. Participant phenotype was not available at the time of variant classification. Additional details can be found in publication PMID: 35346344, PMCID: PMC8962531